The following is an entry in ClinVar:

NM_016239.4(MYO15A):c.4256del (p.Leu1419fs)

Gene: MYO15A (myosin XVA; plus strand). Cytogenetic location: 17p11.2.
Variant type: Deletion.
Coding change: c.4256del on transcript NM_016239.4 (MANE Select); coding-DNA position 4256, one base deleted (T; older notation c.4256delT).
Protein change: p.Leu1419fs; shifts the reading frame from leucine 1419.
Molecular consequence: frameshift variant.
Genome position (GRCh38, 1-based): chr17:18,132,502, T deleted; the last of 2 consecutive T bases (chr17:18,132,501-18,132,502); deleting either gives the same sequence. VCF-style (leftmost placement, unchanged base first): chr17-18132500-GT-G. GRCh37 (hg19) VCF-style: chr17-18035814-GT-G.
Other names: short protein forms L1419fs.
Identifiers: ClinVar variation 4769055 (VCV004769055.1).
Genomic context (GRCh38, chr17:18,132,500, plus strand): 5'-ACCCACTCTACAGGCCAAAAACGAGAGGAATTACCACATCTTCTACGAGTTGCTGGCCGG[GT>G]TGCCTGCCCAGCTCAGGCAGGCCTTTAGCCTGCAAGAGGCTGAGACCTACTACTATCTGA-3'

ClinVar aggregate classification (germline): Pathogenic (1 of 4 stars; one submission).

Submission:

Labcorp Genetics (formerly Invitae), Labcorp
Classification: Pathogenic. Last evaluated: 2025-10-22. Review status: criteria provided, single submitter. Criteria: Invitae Variant Classification Sherloc (09022015). Collection method: clinical testing. Allele origin: germline.
Comment: This sequence change creates a premature translational stop signal (p.Leu1419Cysfs*20) in the MYO15A gene. It is expected to result in an absent or disrupted protein product. Loss-of-function variants in MYO15A are known to be pathogenic (PMID: 17546645). This variant is present in population databases (no rsID available, gnomAD 0.006%). This variant has not been reported in the literature in individuals affected with MYO15A-related conditions. For these reasons, this variant has been classified as Pathogenic.

Literature cited by the submitters: PubMed 17546645.